The following is an entry in ClinVar:

NM_000444.6(PHEX):c.1536T>A (p.Tyr512Ter)

Gene: PHEX (phosphate regulating endopeptidase X-linked; plus strand). Cytogenetic location: Xp22.11.
Variant type: single nucleotide variant.
Coding change: c.1536T>A on transcript NM_000444.6 (MANE Select); coding-DNA position 1536, T replaced by A.
Protein change: p.Tyr512Ter; replaces tyrosine 512 with a stop codon.
Molecular consequence: nonsense.
Genome position (GRCh38, 1-based): chrX:22,178,326, T>A. VCF-style: chrX-22178326-T-A. GRCh37 (hg19) VCF-style: chrX-22196443-T-A.
Other names: c.1536T>A, p.Tyr512Ter (NM_001282754.2); short protein forms Y512*.
Identifiers: ClinVar variation 1455587 (VCV001455587.6), dbSNP rs2147128208, ClinGen allele CA412574892.
Genomic context (GRCh38, chrX:22,178,326, plus strand): 5'-TATTCAGATCAAGTTTTCAGAAGCCGACTACTTTGGCAACGTCCTACAAACTCGCAAGTA[T>A]TTAGCACAGTCTGATTTCTTCTGGCTAAGAAAAGCCGTTCCAAAAACAGAGTGAGTATTA-3'

ClinVar aggregate classification (germline): Pathogenic (1 of 4 stars; one submission).

Submission:

Labcorp Genetics (formerly Invitae), Labcorp
Classification: Pathogenic. Last evaluated: 2021-10-23. Review status: criteria provided, single submitter. Criteria: Invitae Variant Classification Sherloc (09022015). Collection method: clinical testing. Allele origin: germline.
Comment: Algorithms developed to predict the effect of sequence changes on RNA splicing suggest that this variant may create or strengthen a splice site. This variant has not been reported in the literature in individuals affected with PHEX-related conditions. This variant is not present in population databases (gnomAD no frequency). This sequence change creates a premature translational stop signal (p.Tyr512*) in the PHEX gene. It is expected to result in an absent or disrupted protein product. Loss-of-function variants in PHEX are known to be pathogenic (PMID: 9097956, 9106524, 19219621). For these reasons, this variant has been classified as Pathogenic.

Literature cited by the submitters: PubMed 9097956; PubMed 9106524; PubMed 19219621.